The following is an entry in ClinVar:

NM_020745.4(AARS2):c.2561G>A (p.Arg854His)

Gene: AARS2 (alanyl-tRNA synthetase 2, mitochondrial; minus strand). Cytogenetic location: 6p21.1.
Variant type: single nucleotide variant.
Coding change: c.2561G>A on transcript NM_020745.4 (MANE Select); coding-DNA position 2561, G replaced by A.
Protein change: p.Arg854His; replaces arginine 854 with histidine.
Molecular consequence: missense variant.
Genome position (GRCh38, 1-based): chr6:44,302,097, C>T on the plus strand (G>A on the coding strand, the complement: AARS2 is on the minus strand). VCF-style: chr6-44302097-C-T. GRCh37 (hg19) VCF-style: chr6-44269834-C-T.
Other names: c.2561G>A (NM_020745.3); short protein forms R854H.
Identifiers: ClinVar variation 1368424 (VCV001368424.10), dbSNP rs751611980, ClinGen allele CA3833934.

ClinVar aggregate classification (germline): Uncertain significance. Review status: criteria provided, multiple submitters, no conflicts (2 of 4 stars). 4 submissions from 4 submitters: Uncertain significance (4). Last evaluated 2025-04-09.

Conditions:
Combined oxidative phosphorylation defect type 8. Also called: CARDIOMYOPATHY, HYPERTROPHIC MITOCHONDRIAL, FATAL INFANTILE. Identifiers: Orphanet 319504, MedGen C4518839, MONDO:0013570, OMIM 614096.
Cardiovascular phenotype. Identifiers: MedGen CN230736.
Inborn genetic diseases. Identifiers: MedGen C0950123, MeSH D030342.

Allele frequency attached by ClinVar (database versions not stated): TOPMed 0.00002; ExAC 0.00003; gnomAD 0.00003; gnomAD exomes 0.00003.
gnomAD v4.1: 24 of 1,613,896 alleles (0.0015%); highest among the groups gnomAD compares: Admixed American, 0.015%; no homozygotes.

Submissions (4):

Molecular Diagnostic Laboratory for Inherited Cardiovascular Disease, Montreal Heart Institute
Classification: Uncertain significance for Cardiovascular phenotype. Last evaluated: 2025-04-09. Review status: criteria provided, single submitter. Criteria: ACMG Guidelines, 2015. Collection method: clinical testing. Allele origin: germline. Affected: yes.

Baylor Genetics
Classification: Uncertain significance for Combined oxidative phosphorylation defect type 8. Last evaluated: 2023-06-27. Review status: criteria provided, single submitter. Criteria: ACMG Guidelines, 2015. Collection method: clinical testing. Allele origin: unknown.

Ambry Genetics
Classification: Uncertain significance for Inborn genetic diseases. Last evaluated: 2023-03-24. Review status: criteria provided, single submitter. Criteria: Ambry Variant Classification Scheme 2023. Collection method: clinical testing. Allele origin: germline.

Labcorp Genetics (formerly Invitae), Labcorp
Classification: Uncertain significance. Last evaluated: 2021-12-03. Review status: criteria provided, single submitter. Criteria: Invitae Variant Classification Sherloc (09022015). Collection method: clinical testing. Allele origin: germline.
Comment: This sequence change replaces arginine, which is basic and polar, with histidine, which is basic and polar, at codon 854 of the AARS2 protein (p.Arg854His). This variant is present in population databases (rs751611980, gnomAD 0.01%). This variant has not been reported in the literature in individuals affected with AARS2-related conditions. Advanced modeling of protein sequence and biophysical properties (such as structural, functional, and spatial information, amino acid conservation, physicochemical variation, residue mobility, and thermodynamic stability) performed at Invitae indicates that this missense variant is not expected to disrupt AARS2 protein function. In summary, the available evidence is currently insufficient to determine the role of this variant in disease. Therefore, it has been classified as a Variant of Uncertain Significance.